The following is an entry in ClinVar:

ClinVar aggregate classification (germline): Uncertain significance (1 of 4 stars; one submission).

Submission:

Labcorp Genetics (formerly Invitae), Labcorp
Classification: Uncertain significance. Last evaluated: 2024-04-10. Review status: criteria provided, single submitter. Criteria: Invitae Variant Classification Sherloc (09022015). Collection method: clinical testing. Allele origin: germline.
Comment: This sequence change replaces glutamic acid, which is acidic and polar, with lysine, which is basic and polar, at codon 231 of the LARP7 protein (p.Glu231Lys). This variant is not present in population databases (gnomAD no frequency). This variant has not been reported in the literature in individuals affected with LARP7-related conditions. Advanced modeling of protein sequence and biophysical properties (such as structural, functional, and spatial information, amino acid conservation, physicochemical variation, residue mobility, and thermodynamic stability) performed at Invitae indicates that this missense variant is not expected to disrupt LARP7 protein function with a negative predictive value of 80%. In summary, the available evidence is currently insufficient to determine the role of this variant in disease. Therefore, it has been classified as a Variant of Uncertain Significance.

NM_016648.4(LARP7):c.691G>A (p.Glu231Lys)

Genes: LARP7 (La ribonucleoprotein 7, transcriptional regulator; plus strand), MIR302CHG (miR-302/367 cluster host gene; minus strand). Cytogenetic location: 4q25.
Variant type: single nucleotide variant.
Coding change: c.691G>A on transcript NM_016648.4 (MANE Select); coding-DNA position 691, G replaced by A.
Protein change: p.Glu231Lys; replaces glutamic acid 231 with lysine.
Molecular consequence: missense variant.
Genome position (GRCh38, 1-based): chr4:112,647,243, G>A. VCF-style: chr4-112647243-G-A. GRCh37 (hg19) VCF-style: chr4-113568399-G-A.
Other names: c.691G>A, p.Glu231Lys (NM_001370975.1, NM_001370978.1, NM_015454.3 and 2 more transcripts); c.688G>A, p.Glu230Lys (NM_001370976.1, NM_001370977.1, NM_001370979.1 and 1 more transcripts); c.454G>A, p.Glu152Lys (NM_001370981.1, NM_001370982.1); short protein forms E230K, E231K, E152K.
Identifiers: ClinVar variation 3649534 (VCV003649534.2).